The following is an entry in ClinVar:

NM_001048174.2(MUTYH):c.350_351del (p.Val117fs)

Gene: MUTYH (mutY DNA glycosylase; minus strand). Cytogenetic location: 1p34.1.
Variant type: Microsatellite.
Coding change: c.350_351del on transcript NM_001048174.2 (MANE Select); coding-DNA positions 350 to 351, 2 bases deleted (TG; older notation c.350_351delTG).
Protein change: p.Val117fs; shifts the reading frame from valine 117.
Molecular consequence: frameshift variant. On other transcripts: non-coding transcript variant (6), intron variant (3).
Genome position (GRCh38, 1-based): chr1:45,333,124-45,333,125, CA deleted on the plus strand (TG on the coding strand, the reverse complement: MUTYH is on the minus strand); deleting any 2 consecutive bases within chr1:45,333,124-45,333,127 gives the same sequence; the c. name uses the placement nearest the transcript's 3' end. VCF-style (leftmost placement, unchanged base first): chr1-45333123-TCA-T. GRCh37 (hg19) VCF-style: chr1-45798795-TCA-T.
Other names: c.395_396del, p.Val132fs (NM_001293190.2); c.383_384del, p.Val128fs (NM_001293191.2, NM_001407077.1); c.74_75del, p.Val25fs (NM_001293192.2, NM_001293196.2, NM_001407091.1); c.350_351del, p.Val117fs (NM_001293195.2, NM_001407070.1, NM_001407072.1 and 6 more transcripts); c.425_426del, p.Val142fs (NM_001407069.1, NM_012222.3); c.353_354del, p.Val118fs (NM_001407071.1, NM_001407078.1, NM_001407079.1 and 2 more transcripts); c.392_393del, p.Val131fs (NM_001407073.1, NM_001407085.1, NM_001407083.1); c.266_267del, p.Val89fs (NM_001407075.1); and 3 more; short protein forms V117fs, V118fs, V124fs, V128fs, V131fs, V132fs, V142fs, V145fs.
Identifiers: ClinVar variation 4856751 (VCV004856751.1).
Genomic context (GRCh38, chr1:45,333,123, plus strand): 5'-ACCCATGACCCTTCCCTTCCTCCCCTGGAGTCACCTGCATCCATCCGGTATAGTAGTTGA[TCA>T]CAGTGGCAACCTGGGTCTGCTGCAGCATGACCTCTGAGACCCACACTGGGGGAAAGGGGT-3'

ClinVar aggregate classification (germline): Pathogenic (1 of 4 stars; one submission).

Conditions:
Familial adenomatous polyposis 2. Also called: FAP type 2; MUTYH Polyposis; MYH-associated polyposis; MUTYH-associated polyposis; MUTYH-related attenuated familial adenomatous polyposis; Adenomas, multiple colorectal. Identifiers: Orphanet 220460, Orphanet 247798, MedGen C3272841, MONDO:0012041, OMIM 608456.

Submission:

Myriad Genetics, Inc.
Classification: Pathogenic for Familial adenomatous polyposis 2. Last evaluated: 2026-03-02. Review status: criteria provided, single submitter. Criteria: Myriad Autosomal Dominant, Autosomal Recessive and X-Linked Classification Criteria (2023). Collection method: clinical testing. Allele origin: unknown.
Comment: This variant is considered pathogenic. This variant creates a frameshift predicted to result in premature protein truncation.